The following is an entry in ClinVar:

NM_000077.5(CDKN2A):c.374A>G (p.Asp125Gly)

Gene: CDKN2A (cyclin dependent kinase inhibitor 2A; minus strand). Cytogenetic location: 9p21.3.
Variant type: single nucleotide variant.
Coding change: c.374A>G on transcript NM_000077.5; coding-DNA position 374, A replaced by G.
Protein change: p.Asp125Gly; replaces aspartic acid 125 with glycine.
Molecular consequence: missense variant (on NM_000077.6). On other transcripts: 3 prime UTR variant (2).
Genome position (GRCh38, 1-based): chr9:21,970,985, T>C on the plus strand (A>G on the coding strand, the complement: CDKN2A is on the minus strand). VCF-style: chr9-21970985-T-C. GRCh37 (hg19) VCF-style: chr9-21970984-T-C.
Other names: c.374A>G, p.Asp125Gly (NM_000077.6, NM_001195132.2); c.221A>G, p.Asp74Gly (NM_001363763.2); c.*18A>G (NM_058195.4); c.*297A>G (NM_058197.5); short protein forms D74G, D125G.
Identifiers: ClinVar variation 834371 (VCV000834371.15), dbSNP rs1408195053, ClinGen allele CA373085959.

ClinVar aggregate classification (germline): Uncertain significance. Review status: criteria provided, multiple submitters, no conflicts (2 of 4 stars). 3 submissions from 3 submitters: Uncertain significance (3). Last evaluated 2025-09-03.

Conditions:
Hereditary cancer-predisposing syndrome. Also called: Neoplastic Syndromes, Hereditary; Tumor predisposition; Hereditary Cancer Syndrome; Hereditary neoplastic syndrome. Identifiers: Orphanet 140162, MedGen C0027672, MeSH D009386, MONDO:0015356.
Familial melanoma. Also called: Hereditary melanoma; Hereditary cutaneous melanoma. Identifiers: Orphanet 618, MedGen C1512419, MONDO:0018961.

Allele frequency attached by ClinVar (database versions not stated): gnomAD exomes below 0.00001; TOPMed below 0.00001.

Submissions (3):

Labcorp Genetics (formerly Invitae), Labcorp
Classification: Uncertain significance for Familial melanoma. Last evaluated: 2025-09-03. Review status: criteria provided, single submitter. Criteria: Invitae Variant Classification Sherloc (09022015). Collection method: clinical testing. Allele origin: germline.
Comment: This sequence change replaces aspartic acid, which is acidic and polar, with glycine, which is neutral and non-polar, at codon 125 of the CDKN2A (p16INK4a) protein (p.Asp125Gly). This variant is present in population databases (no rsID available, gnomAD 0.01%). This variant has not been reported in the literature in individuals affected with CDKN2A (p16INK4a)-related conditions. ClinVar contains an entry for this variant (Variation ID: 834371). An algorithm developed to predict the effect of missense changes on protein structure and function (PolyPhen-2) suggests that this variant is likely to be tolerated. Experimental studies are conflicting or provide insufficient evidence to determine the effect of this variant on CDKN2A (p16INK4a) function (PMID: 8573142). In summary, the available evidence is currently insufficient to determine the role of this variant in disease. Therefore, it has been classified as a Variant of Uncertain Significance.

Ambry Genetics
Classification: Uncertain significance for Hereditary cancer-predisposing syndrome. Last evaluated: 2025-05-21. Review status: criteria provided, single submitter. Criteria: Ambry Variant Classification Scheme 2023. Collection method: clinical testing. Allele origin: germline.
Comment: The p.D125G variant (also known as c.374A>G), located in coding exon 2 of the CDKN2A gene, results from an A to G substitution at nucleotide position 374. The aspartic acid at codon 125 is replaced by glycine, an amino acid with similar properties. Of note, this variant is also known as c.417A>Gin the p14(ARF) isoform. This amino acid position is poorly conserved in available vertebrate species. In addition, the in silico prediction for this alteration is inconclusive. Based on the available evidence, the clinical significance of this variant remains unclear.

Color Diagnostics, LLC DBA Color Health
Classification: Uncertain significance for Hereditary cancer-predisposing syndrome. Last evaluated: 2023-07-06. Review status: criteria provided, single submitter. Criteria: ACMG Guidelines, 2015. Collection method: clinical testing. Allele origin: germline.
Comment: The CDKN2A locus encodes two different gene products, p16INK4a and p14ARF. This missense variant replaces aspartic acid with glycine at codon 125 of the CDKN2A (p16INK4A) protein. Computational prediction suggests that this variant may not impact protein structure and function (internally defined REVEL score threshold <= 0.5, PMID: 27666373). To our knowledge, functional studies have not been reported for this variant. This variant has not been reported in individuals affected with CDKN2A-related disorders in the literature. This variant has been identified in 1/244208 chromosomes in the general population by the Genome Aggregation Database (gnomAD). The available evidence is insufficient to determine the role of this variant in disease conclusively. Therefore, this variant is classified as a Variant of Uncertain Significance.

Literature cited by the submitters: PubMed 8573142 (cited by Labcorp Genetics (formerly Invitae), Labcorp).